The following is an entry in ClinVar:

NM_001160148.2(DDHD1):c.2654A>G (p.Tyr885Cys)

Gene: DDHD1 (DDHD domain containing 1; minus strand). Cytogenetic location: 14q22.1.
Variant type: single nucleotide variant.
Coding change: c.2654A>G on transcript NM_001160148.2 (MANE Select); coding-DNA position 2654, A replaced by G.
Protein change: p.Tyr885Cys; replaces tyrosine 885 with cysteine.
Molecular consequence: missense variant.
Genome position (GRCh38, 1-based): chr14:53,046,817, T>C on the plus strand (A>G on the coding strand, the complement: DDHD1 is on the minus strand). VCF-style: chr14-53046817-T-C. GRCh37 (hg19) VCF-style: chr14-53513535-T-C.
Other names: c.2591A>G, p.Tyr864Cys (NM_001160147.2); c.2570A>G, p.Tyr857Cys (NM_030637.3); short protein forms Y857C, Y885C, Y864C.
Identifiers: ClinVar variation 1373107 (VCV001373107.6), dbSNP rs141960546, ClinGen allele CA7190922.
Genomic context (GRCh38, chr14:53,046,817, plus strand): 5'-TTCAAGAGAGTTCAGATTGGATCTAAATTGGGTTTTGCATCATCATCGTGCTCATGTTTA[T>C]ACATGAAGGTTAAAAGAAAAAGGGCAACATCCAAGGATGACCAATAGGCAGTATGCGACG-3'
Protein context (NP_001153620.1, residues 875-895): DVALFLLTFM[Tyr885Cys]KHEHDDDAKP

ClinVar aggregate classification (germline): Uncertain significance (1 of 4 stars; one submission).

Conditions:
Hereditary spastic paraplegia 28. Also called: Spastic paraplegia 28, autosomal recessive. Identifiers: Orphanet 101008, MedGen C1836295, MONDO:0012256, OMIM 609340.

Allele frequency attached by ClinVar (database versions not stated): gnomAD 0.00003 and 0.00005; gnomAD exomes 0.00006 and 0.00018; TOPMed 0.00010; ExAC 0.00016; 1000 Genomes Project 30x 0.00031; 1000 Genomes Project 0.00040.
gnomAD v4.1: 96 of 1,612,720 alleles (0.006%); highest among the groups gnomAD compares: East Asian, 0.16%; no homozygotes.

Submission:

Labcorp Genetics (formerly Invitae), Labcorp
Classification: Uncertain significance for Hereditary spastic paraplegia 28. Last evaluated: 2022-06-13. Review status: criteria provided, single submitter. Criteria: Invitae Variant Classification Sherloc (09022015). Collection method: clinical testing. Allele origin: germline.
Comment: This variant has not been reported in the literature in individuals affected with DDHD1-related conditions. In summary, the available evidence is currently insufficient to determine the role of this variant in disease. Therefore, it has been classified as a Variant of Uncertain Significance. Algorithms developed to predict the effect of missense changes on protein structure and function are either unavailable or do not agree on the potential impact of this missense change (SIFT: "Deleterious"; PolyPhen-2: "Probably Damaging"; Align-GVGD: "Class C0"). This variant is present in population databases (rs141960546, gnomAD 0.2%). This sequence change replaces tyrosine, which is neutral and polar, with cysteine, which is neutral and slightly polar, at codon 864 of the DDHD1 protein (p.Tyr864Cys).